The following is an entry in ClinVar:

ClinVar aggregate classification (germline): Pathogenic. Review status: criteria provided, single submitter (1 of 4 stars). 3 submissions from 2 submitters: Pathogenic (1). 2 of the submissions do not count toward it. Last evaluated 2024-03-17.

Conditions:
Leber congenital amaurosis 16 (LCA16). Identifiers: Orphanet 65, MedGen C3280062, MONDO:0013613, OMIM 614186.

Allele frequency attached by ClinVar (database versions not stated): TOPMed below 0.00001; gnomAD 0.00001.
gnomAD v4.1: 1 of 1,614,012 alleles (0.000062%); no homozygotes.

Submissions (3):

Genomic Medicine Center of Excellence, King Faisal Specialist Hospital and Research Centre
Classification: Pathogenic for Leber congenital amaurosis 16. Last evaluated: 2024-03-17. Review status: criteria provided, single submitter. Criteria: ACMG Guidelines, 2015. Collection method: research. Allele origin: germline.

OMIM
Classification: Pathogenic for LEBER CONGENITAL AMAUROSIS 16. Last evaluated: 2016-03-31. Review status: no assertion criteria provided. Collection method: literature only. Allele origin: germline. Not counted in ClinVar's aggregate classification.

Genomic Medicine Center of Excellence, King Faisal Specialist Hospital and Research Centre
Classification: Likely pathogenic. Review status: flagged submission. Criteria: ACMG Guidelines, 2015. Collection method: research. Allele origin: germline. Affected: yes. Not counted in ClinVar's aggregate classification.
ClinVar note: Reason: This record appears to be redundant with a more recent record from the same submitter.
ClinVar note: Notes: SCV000221536 appears to be redundant with SCV004805114.

Literature cited by the submitters: PubMed 25475713 (cited by OMIM).

NM_002242.4(KCNJ13):c.359T>C (p.Ile120Thr)

Genes: GIGYF2 (GRB10 interacting GYF protein 2; plus strand), KCNJ13 (potassium inwardly rectifying channel subfamily J member 13; minus strand). Cytogenetic location: 2q37.1.
Variant type: single nucleotide variant.
Coding change: c.359T>C on transcript NM_002242.4 (MANE Select); coding-DNA position 359, T replaced by C.
Protein change: p.Ile120Thr; replaces isoleucine 120 with threonine.
Molecular consequence: missense variant. On other transcripts: intron variant (5).
Genome position (GRCh38, 1-based): chr2:232,771,004, A>G on the plus strand (T>C on the coding strand, the complement: KCNJ13 is on the minus strand). VCF-style: chr2-232771004-A-G. GRCh37 (hg19) VCF-style: chr2-233635714-A-G.
Other names: c.119T>C, p.Ile40Thr (NM_001172417.1); c.532+9568A>G (NM_001103146.3, NM_015575.4, NM_001103148.2); c.533-5408A>G (NM_001103147.2); c.224+135T>C (NM_001172416.1); short protein forms I120T, I40T.
Identifiers: ClinVar variation 191155 (VCV000191155.3), dbSNP rs786205550, ClinGen allele CA236131.